The following is an entry in ClinVar:

ClinVar aggregate classification (germline): Pathogenic (1 of 4 stars; one submission).

Conditions:
Seizures, benign familial infantile, 3 (BFIS3). Also called: Familial neonatal seizures; CONVULSIONS, BENIGN FAMILIAL INFANTILE, 3. Identifiers: Orphanet 140927, Orphanet 306, MedGen C1843140, MONDO:0011904, OMIM 607745.
Developmental and epileptic encephalopathy, 11 (DEE11). Also called: Early infantile epileptic encephalopathy 11. Identifiers: Orphanet 1934, MedGen C3150987, MONDO:0013388, OMIM 613721.

Submission:

Labcorp Genetics (formerly Invitae), Labcorp
Classification: Pathogenic for Seizures, benign familial infantile, 3; Developmental and epileptic encephalopathy, 11. Last evaluated: 2020-08-27. Review status: criteria provided, single submitter. Criteria: Invitae Variant Classification Sherloc (09022015). Collection method: clinical testing. Allele origin: germline.
Comment: For these reasons, this variant has been classified as Pathogenic. Loss-of-function variants in SCN2A are known to be pathogenic (PMID: 22495306, 23020937, 24650168). This variant has not been reported in the literature in individuals with SCN2A-related conditions. This variant is not present in population databases (ExAC no frequency). This sequence change creates a premature translational stop signal (p.Ala240Profs*2) in the SCN2A gene. It is expected to result in an absent or disrupted protein product.

Literature cited by the submitters: PubMed 22495306; PubMed 23020937; PubMed 24650168.

NM_001040142.2(SCN2A):c.718del (p.Ala240fs)

Gene: SCN2A (sodium voltage-gated channel alpha subunit 2; plus strand). Cytogenetic location: 2q24.3.
Variant type: Deletion.
Coding change: c.718del on transcript NM_001040142.2 (MANE Select); coding-DNA position 718, one base deleted (G; older notation c.718delG).
Protein change: p.Ala240fs; shifts the reading frame from alanine 240.
Molecular consequence: frameshift variant.
Genome position (GRCh38, 1-based): chr2:165,310,343, G deleted; the last of 5 consecutive G bases (chr2:165,310,339-165,310,343); deleting any one gives the same sequence. VCF-style (leftmost placement, unchanged base first): chr2-165310338-TG-T. GRCh37 (hg19) VCF-style: chr2-166166848-TG-T.
Other names: c.718del, p.Ala240fs (NM_001040143.2, NM_001371246.1, NM_001371247.1 and 1 more transcripts); short protein forms A240fs.
Identifiers: ClinVar variation 1071664 (VCV001071664.7), dbSNP rs2105247156, ClinGen allele CA2499215152.
Genomic context (GRCh38, chr2:165,310,338, plus strand): 5'-TGTTGAGTAGTATATTTAAATTCCCCCTTCTGATTTTGTTTGTAGGCCTGAAGACCATTG[TG>T]GGGGCCCTGATCCAGTCAGTGAAGAAGCTTTCTGATGTCATGATCTTGACTGTGTTCTGT-3'